The following is an entry in ClinVar:

ClinVar aggregate classification (germline): Pathogenic (1 of 4 stars; one submission).

Submission:

GeneDx
Classification: Pathogenic. Last evaluated: 2022-01-13. Review status: criteria provided, single submitter. Criteria: GeneDx Variant Classification Process June 2021. Collection method: clinical testing. Allele origin: germline. Affected: yes.
Comment: Observed in a patient with Coffin-Siris syndrome in published literature (Aref-Eshghi et al., 2018); Not observed at significant frequency in large population cohorts (gnomAD); Frameshift variant predicted to result in protein truncation or nonsense mediated decay in a gene for which loss-of-function is a known mechanism of disease; This variant is associated with the following publications: (PMID: 30459321)

NM_001374828.1(ARID1B):c.1950del (p.Ala652fs)

Gene: ARID1B (AT-rich interaction domain 1B; plus strand). Cytogenetic location: 6q25.3.
Variant type: Deletion.
Coding change: c.1950del on transcript NM_001374828.1 (MANE Select); coding-DNA position 1950, one base deleted (C; older notation c.1950delC).
Protein change: p.Ala652fs; shifts the reading frame from alanine 652.
Molecular consequence: frameshift variant.
Genome position (GRCh38, 1-based): chr6:156,829,385, C deleted; the last of 3 consecutive C bases (chr6:156,829,383-156,829,385); deleting any one gives the same sequence. VCF-style (leftmost placement, unchanged base first): chr6-156829382-TC-T. GRCh37 (hg19) VCF-style: chr6-157150516-TC-T.
Other names: c.1701del (NM_020732.3); c.1950del, p.Ala652fs (NM_001371656.1, NM_001374820.1, NM_017519.3); short protein forms A652fs.
Identifiers: ClinVar variation 1697176 (VCV001697176.2), dbSNP rs2128046981, ClinGen allele CA2580075254.